The following is an entry in ClinVar:

NM_080680.3(COL11A2):c.2138C>T (p.Pro713Leu)

Gene: COL11A2 (collagen type XI alpha 2 chain; minus strand). Cytogenetic location: 6p21.32.
Variant type: single nucleotide variant.
Coding change: c.2138C>T on transcript NM_080680.3 (MANE Select); coding-DNA position 2138, C replaced by T.
Protein change: p.Pro713Leu; replaces proline 713 with leucine.
Molecular consequence: missense variant.
Genome position (GRCh38, 1-based): chr6:33,176,464, G>A on the plus strand (C>T on the coding strand, the complement: COL11A2 is on the minus strand). VCF-style: chr6-33176464-G-A. GRCh37 (hg19) VCF-style: chr6-33144241-G-A.
Other names: c.1817C>T, p.Pro606Leu (NM_080679.3); c.1880C>T, p.Pro627Leu (NM_080681.3); short protein forms P627L, P713L, P606L.
Identifiers: ClinVar variation 1467503 (VCV001467503.6), dbSNP rs2150568918, ClinGen allele CA363650098.

ClinVar aggregate classification (germline): Uncertain significance (1 of 4 stars; one submission).

Submission:

Labcorp Genetics (formerly Invitae), Labcorp
Classification: Uncertain significance. Last evaluated: 2024-03-26. Review status: criteria provided, single submitter. Criteria: Invitae Variant Classification Sherloc (09022015). Collection method: clinical testing. Allele origin: germline.
Comment: This sequence change replaces proline, which is neutral and non-polar, with leucine, which is neutral and non-polar, at codon 713 of the COL11A2 protein (p.Pro713Leu). This variant is not present in population databases (gnomAD no frequency). This variant has not been reported in the literature in individuals affected with COL11A2-related conditions. ClinVar contains an entry for this variant (Variation ID: 1467503). Advanced modeling of protein sequence and biophysical properties (such as structural, functional, and spatial information, amino acid conservation, physicochemical variation, residue mobility, and thermodynamic stability) performed at Invitae indicates that this missense variant is not expected to disrupt COL11A2 protein function with a negative predictive value of 95%. In summary, the available evidence is currently insufficient to determine the role of this variant in disease. Therefore, it has been classified as a Variant of Uncertain Significance.